The following is an entry in ClinVar:

NM_003701.4(TNFSF11):c.424G>A (p.Ala142Thr)

Genes: TNFSF11 (TNF superfamily member 11; plus strand), LOC126861753 (P300/CBP strongly-dependent group 1 enhancer GRCh37_chr13:43174688-43175887; plus strand). Cytogenetic location: 13q14.11.
Variant type: single nucleotide variant.
Coding change: c.424G>A on transcript NM_003701.4 (MANE Select); coding-DNA position 424, G replaced by A.
Protein change: p.Ala142Thr; replaces alanine 142 with threonine.
Molecular consequence: missense variant.
Genome position (GRCh38, 1-based): chr13:42,600,788, G>A. VCF-style: chr13-42600788-G-A. GRCh37 (hg19) VCF-style: chr13-43174924-G-A.
Other names: c.205G>A, p.Ala69Thr (NM_033012.4); short protein forms A142T, A69T.
Identifiers: ClinVar variation 312234 (VCV000312234.9), dbSNP rs199529587, ClinGen allele CA6967214.

ClinVar aggregate classification (germline): Uncertain significance. Review status: criteria provided, multiple submitters, no conflicts (2 of 4 stars). 2 submissions from 2 submitters: Uncertain significance (2). Last evaluated 2022-06-09.

Conditions:
Autosomal recessive osteopetrosis 2. Also called: OSTEOPETROSIS, MILD AUTOSOMAL RECESSIVE FORM. Identifiers: Orphanet 667, MedGen C1850126, MONDO:0009816, OMIM 259710.

Allele frequency attached by ClinVar (database versions not stated): gnomAD below 0.00001 and 0.00001; TOPMed 0.00002; gnomAD exomes 0.00003 and 0.00010; ExAC 0.00007; 1000 Genomes Project 30x 0.00016; 1000 Genomes Project 0.00020.
gnomAD v4.1: 51 of 1,614,096 alleles (0.0032%); highest among the groups gnomAD compares: South Asian, 0.046%; no homozygotes.

Submissions (2):

Labcorp Genetics (formerly Invitae), Labcorp
Classification: Uncertain significance. Last evaluated: 2022-06-09. Review status: criteria provided, single submitter. Criteria: Invitae Variant Classification Sherloc (09022015). Collection method: clinical testing. Allele origin: germline.
Comment: This sequence change replaces alanine, which is neutral and non-polar, with threonine, which is neutral and polar, at codon 142 of the TNFSF11 protein (p.Ala142Thr). This variant is present in population databases (rs199529587, gnomAD 0.06%). This variant has not been reported in the literature in individuals affected with TNFSF11-related conditions. ClinVar contains an entry for this variant (Variation ID: 312234). Algorithms developed to predict the effect of missense changes on protein structure and function (SIFT, PolyPhen-2, Align-GVGD) all suggest that this variant is likely to be tolerated. In summary, the available evidence is currently insufficient to determine the role of this variant in disease. Therefore, it has been classified as a Variant of Uncertain Significance.

Illumina Laboratory Services, Illumina
Classification: Uncertain significance for Autosomal recessive osteopetrosis 2. Last evaluated: 2018-01-12. Review status: criteria provided, single submitter. Criteria: ICSL Variant Classification Criteria 13 December 2019. Collection method: clinical testing. Allele origin: germline.